The following is an entry in ClinVar:

NM_014639.4(SKIC3):c.1765G>A (p.Ala589Thr)

Gene: SKIC3 (SKI3 subunit of superkiller complex; minus strand). Cytogenetic location: 5q15.
Variant type: single nucleotide variant.
Coding change: c.1765G>A on transcript NM_014639.4 (MANE Select); coding-DNA position 1765, G replaced by A.
Protein change: p.Ala589Thr; replaces alanine 589 with threonine.
Molecular consequence: missense variant.
Genome position (GRCh38, 1-based): chr5:95,522,300, C>T on the plus strand (G>A on the coding strand, the complement: SKIC3 is on the minus strand). VCF-style: chr5-95522300-C-T. GRCh37 (hg19) VCF-style: chr5-94858004-C-T.
Other names: p.Ala589Thr; short protein forms A589T.
Identifiers: ClinVar variation 445465 (VCV000445465.16), dbSNP rs147622709, ClinGen allele CA3347240.
Genomic context (GRCh38, chr5:95,522,300, plus strand): 5'-AGTATGCTTCTCCTAACGATTCCCAACAATTGAAGTCCTTTGGGTCTGCTCTTAATGCTG[C>T]CTGTAAACTAAAATTTAAAAAACCGTAAGAGAACTAAAAGTATGGAACTATCTCCAAATC-3'
Protein context (NP_055454.1, residues 579-599): QHSQAVADLQ[Ala589Thr]ALRADPKDFN

ClinVar aggregate classification (germline): Benign/Likely benign. Review status: criteria provided, multiple submitters, no conflicts (2 of 4 stars). 4 submissions from 4 submitters: Benign (1); Likely benign (3). Last evaluated 2026-01-28.

Allele frequency attached by ClinVar (database versions not stated): gnomAD exomes 0.00025 and 0.00069; ExAC 0.00096; 1000 Genomes Project 30x 0.00156; 1000 Genomes Project 0.00160; gnomAD 0.00272 and 0.00295; ESP Exome Variant Server 0.00331; TOPMed 0.00337.
gnomAD v4.1: 795 of 1,613,198 alleles (0.049%); highest among the groups gnomAD compares: African/African-American, 0.98%; 5 homozygotes.

Submissions (4):

Labcorp Genetics (formerly Invitae), Labcorp
Classification: Benign. Last evaluated: 2026-01-28. Review status: criteria provided, single submitter. Criteria: Invitae Variant Classification Sherloc (09022015). Collection method: clinical testing. Allele origin: germline.

Mayo Clinic Laboratories, Mayo Clinic
Classification: Likely benign. Last evaluated: 2025-07-29. Review status: criteria provided, single submitter. Criteria: ACMG Guidelines, 2015. Collection method: clinical testing. Allele origin: germline. Observed: 2 variant alleles.
Comment: BS1, BS2_supporting

Blueprint Genetics
Classification: Likely benign. Last evaluated: 2024-03-11. Review status: criteria provided, single submitter. Criteria: ACMG Guidelines, 2015. Collection method: clinical testing. Allele origin: germline.

Center for Pediatric Genomic Medicine, Children's Mercy Hospital and Clinics
Classification: Likely benign. Last evaluated: 2017-06-19. Review status: criteria provided, single submitter. Criteria: ACMG Guidelines, 2015. Collection method: clinical testing. Allele origin: germline.